The following is an entry in ClinVar:

ClinVar aggregate classification (germline): Benign/Likely benign. Review status: criteria provided, multiple submitters, no conflicts (2 of 4 stars). 3 submissions from 3 submitters: Benign (1); Likely benign (2). Last evaluated 2026-02-01.

Allele frequency attached by ClinVar (database versions not stated): TOPMed 0.00213; 1000 Genomes Project 30x 0.00250; 1000 Genomes Project 0.00260; ESP Exome Variant Server 0.00371; gnomAD 0.00381 and 0.00400; ExAC 0.00456; gnomAD exomes 0.00474 and 0.00500.
gnomAD v4.1: 7,441 of 1,612,436 alleles (0.46%); highest among the groups gnomAD compares: Non-Finnish European, 0.47%; 41 homozygotes.

Submissions (3):

CeGaT Center for Human Genetics Tuebingen
Classification: Likely benign. Last evaluated: 2026-02-01. Review status: criteria provided, single submitter. Criteria: CeGaT Center For Human Genetics Tuebingen Variant Classification Criteria Version 2. Collection method: clinical testing. Allele origin: germline. Affected: yes. Observed: 21 variant alleles.
Comment: METTL23: BP4, BS2

Labcorp Genetics (formerly Invitae), Labcorp
Classification: Benign. Last evaluated: 2019-12-31. Review status: criteria provided, single submitter. Criteria: Invitae Variant Classification Sherloc (09022015). Collection method: clinical testing. Allele origin: germline.

Center for Pediatric Genomic Medicine, Children's Mercy Hospital and Clinics
Classification: Likely benign. Last evaluated: 2017-05-04. Review status: criteria provided, single submitter. Criteria: ACMG Guidelines, 2015. Collection method: clinical testing. Allele origin: germline.

NM_001080510.5(METTL23):c.569T>C (p.Leu190Pro)

Gene: METTL23 (methyltransferase 23, arginine; plus strand). Cytogenetic location: 17q25.1.
Variant type: single nucleotide variant.
Coding change: c.569T>C on transcript NM_001080510.5 (MANE Select); coding-DNA position 569, T replaced by C.
Protein change: p.Leu190Pro; replaces leucine 190 with proline.
Molecular consequence: missense variant. On other transcripts: non-coding transcript variant (1).
Genome position (GRCh38, 1-based): chr17:76,733,682, T>C. VCF-style: chr17-76733682-T-C. GRCh37 (hg19) VCF-style: chr17-74729764-T-C.
Other names: c.569T>C, p.Leu190Pro (NM_001206983.3, NM_001206984.3, NM_001302703.2 and 2 more transcripts); c.368T>C, p.Leu123Pro (NM_001206985.3, NM_001206986.3, NM_001206987.3 and 2 more transcripts); c.557T>C, p.Leu186Pro (NM_001302705.2, NM_001378350.1, NM_001378351.1 and 2 more transcripts); short protein forms L190P, L123P, L186P.
Identifiers: ClinVar variation 425145 (VCV000425145.48), dbSNP rs147321492, ClinGen allele CA8790245.
Genomic context (GRCh38, chr17:76,733,682, plus strand): 5'-CTACCCTTCCAGGAAGACATACAGTTGAAATGCTGGTCATTTCCTTTGCAAAGGACAGTC[T>C]CTGAATTATACCTACAACCTGTTCTGGGACAGTATCAATACTGATGAGCAACCTGGCACA-3'
Protein context (NP_001073979.3, residues 180-190): MLVISFAKDS[Leu190Pro]